The following is an entry in ClinVar:

NM_000020.3(ACVRL1):c.737A>G (p.Tyr246Cys)

Gene: ACVRL1 (activin A receptor like type 1; plus strand). Cytogenetic location: 12q13.13.
Variant type: single nucleotide variant.
Coding change: c.737A>G on transcript NM_000020.3 (MANE Select); coding-DNA position 737, A replaced by G.
Protein change: p.Tyr246Cys; replaces tyrosine 246 with cysteine.
Molecular consequence: missense variant.
Genome position (GRCh38, 1-based): chr12:51,914,550, A>G. VCF-style: chr12-51914550-A-G. GRCh37 (hg19) VCF-style: chr12-52308334-A-G.
Other names: c.737A>G (NM_000020.2); c.737A>G, p.Tyr246Cys (NM_001077401.2); short protein forms Y246C.
Identifiers: ClinVar variation 1020645 (VCV001020645.7), dbSNP rs755026232, ClinGen allele CA6572978.

ClinVar aggregate classification (germline): Uncertain significance. Review status: criteria provided, multiple submitters, no conflicts (2 of 4 stars). 2 submissions from 2 submitters: Uncertain significance (2). Last evaluated 2026-04-27.

Conditions:
Cardiovascular phenotype. Identifiers: MedGen CN230736.
Telangiectasia, hereditary hemorrhagic, type 2 (HHT2). Also called: Telangiectasia, hereditary hemorrhagic, type II; ACVRL1-Related Hereditary Hemorrhagic Telangiectasia. Identifiers: Orphanet 774, MedGen C1838163, MONDO:0010880, OMIM 600376. Disease mechanism: loss of function.

Allele frequency attached by ClinVar (database versions not stated): TOPMed below 0.00001; ExAC 0.00001; gnomAD exomes below 0.00001 and 0.00001; gnomAD 0.00001.
gnomAD v4.1: 11 of 1,613,740 alleles (0.00068%); highest among the groups gnomAD compares: East Asian, 0.0022%; no homozygotes.

Submissions (2):

Ambry Genetics
Classification: Uncertain significance for Cardiovascular phenotype. Last evaluated: 2026-04-27. Review status: criteria provided, single submitter. Criteria: Ambry Variant Classification Scheme 2023. Collection method: clinical testing. Allele origin: germline.
Comment: The p.Y246C variant (also known as c.737A>G), located in coding exon 5 of the ACVRL1 gene, results from an A to G substitution at nucleotide position 737. The tyrosine at codon 246 is replaced by cysteine, an amino acid with highly dissimilar properties. This amino acid position is conserved. In addition, this alteration is predicted to be deleterious by in silico analysis. Based on the available evidence, the clinical significance of this variant remains unclear.

Labcorp Genetics (formerly Invitae), Labcorp
Classification: Uncertain significance for Telangiectasia, hereditary hemorrhagic, type 2. Last evaluated: 2020-12-08. Review status: criteria provided, single submitter. Criteria: Invitae Variant Classification Sherloc (09022015). Collection method: clinical testing. Allele origin: germline.
Comment: In summary, the available evidence is currently insufficient to determine the role of this variant in disease. Therefore, it has been classified as a Variant of Uncertain Significance. Advanced modeling of protein sequence and biophysical properties (such as structural, functional, and spatial information, amino acid conservation, physicochemical variation, residue mobility, and thermodynamic stability) performed at Invitae indicates that this missense variant is expected to disrupt ACVRL1 protein function. This variant has not been reported in the literature in individuals with ACVRL1-related conditions. This variant is present in population databases (rs755026232, ExAC 0.002%). This sequence change replaces tyrosine with cysteine at codon 246 of the ACVRL1 protein (p.Tyr246Cys). The tyrosine residue is highly conserved and there is a large physicochemical difference between tyrosine and cysteine.